The following is an entry in ClinVar:

NM_000020.3(ACVRL1):c.937C>G (p.Leu313Val)

Gene: ACVRL1 (activin A receptor like type 1; plus strand). Cytogenetic location: 12q13.13.
Variant type: single nucleotide variant.
Coding change: c.937C>G on transcript NM_000020.3 (MANE Select); coding-DNA position 937, C replaced by G.
Protein change: p.Leu313Val; replaces leucine 313 with valine.
Molecular consequence: missense variant.
Genome position (GRCh38, 1-based): chr12:51,915,389, C>G. VCF-style: chr12-51915389-C-G. GRCh37 (hg19) VCF-style: chr12-52309173-C-G.
Other names: c.937C>G, p.Leu313Val (NM_001077401.2, NM_001406487.1, NM_001406488.1 and 1 more transcripts); c.625C>G, p.Leu209Val (NM_001406490.1, NM_001406491.1, NM_001406492.1 and 2 more transcripts); c.373C>G, p.Leu125Val (NM_001406495.1); short protein forms L313V, L125V, L209V.
Identifiers: ClinVar variation 3721153 (VCV003721153.2).
Genomic context (GRCh38, chr12:51,915,389, plus strand): 5'-ACGCTGGAGCCCCATCTGGCTCTGAGGCTAGCTGTGTCCGCGGCATGCGGCCTGGCGCAC[C>G]TGCACGTGGAGATCTTCGGTACACAGGGCAAACCAGCCATTGCCCACCGCGACTTCAAGA-3'
Protein context (NP_000011.2, residues 303-323): AVSAACGLAH[Leu313Val]HVEIFGTQGK

ClinVar aggregate classification (germline): Pathogenic (1 of 4 stars; one submission).

Conditions:
Telangiectasia, hereditary hemorrhagic, type 2 (HHT2). Also called: Telangiectasia, hereditary hemorrhagic, type II; ACVRL1-Related Hereditary Hemorrhagic Telangiectasia. Identifiers: Orphanet 774, MedGen C1838163, MONDO:0010880, OMIM 600376. Disease mechanism: loss of function.

Submission:

Labcorp Genetics (formerly Invitae), Labcorp
Classification: Pathogenic for Telangiectasia, hereditary hemorrhagic, type 2. Last evaluated: 2025-05-23. Review status: criteria provided, single submitter. Criteria: Invitae Variant Classification Sherloc (09022015). Collection method: clinical testing. Allele origin: germline.
Comment: This sequence change replaces leucine, which is neutral and non-polar, with valine, which is neutral and non-polar, at codon 313 of the ACVRL1 protein (p.Leu313Val). This variant is not present in population databases (gnomAD no frequency). This missense change has been observed in individuals with clinical features of hereditary hemorrhagic telangiectasia (PMID: 26176610; internal data). ClinVar contains an entry for this variant (Variation ID: 3721153). Invitae Evidence Modeling of protein sequence and biophysical properties (such as structural, functional, and spatial information, amino acid conservation, physicochemical variation, residue mobility, and thermodynamic stability) indicates that this missense variant is expected to disrupt ACVRL1 protein function with a positive predictive value of 95%. Experimental studies have shown that this missense change affects ACVRL1 function (PMID: 26176610). This variant disrupts the p.Leu313 amino acid residue in ACVRL1. Other variant(s) that disrupt this residue have been determined to be pathogenic (internal data). This suggests that this residue is clinically significant, and that variants that disrupt this residue are likely to be disease-causing. For these reasons, this variant has been classified as Pathogenic.

Literature cited by the submitters: PubMed 26176610.